The following is an entry in ClinVar:

NM_006269.2(RP1):c.719C>T (p.Pro240Leu)

Gene: RP1 (RP1 axonemal microtubule associated; plus strand). Cytogenetic location: 8q12.1.
Variant type: single nucleotide variant.
Coding change: c.719C>T on transcript NM_006269.2 (MANE Select); coding-DNA position 719, C replaced by T.
Protein change: p.Pro240Leu; replaces proline 240 with leucine.
Molecular consequence: missense variant.
Genome position (GRCh38, 1-based): chr8:54,622,220, C>T. VCF-style: chr8-54622220-C-T. GRCh37 (hg19) VCF-style: chr8-55534780-C-T.
Other names: c.719C>T, p.Pro240Leu (NM_001375654.1); short protein forms P240L.
Identifiers: ClinVar variation 2997844 (VCV002997844.3), dbSNP rs781445794, ClinGen allele CA4751248.

ClinVar aggregate classification (germline): Uncertain significance (1 of 4 stars; one submission).

Allele frequency attached by ClinVar (database versions not stated): ExAC 0.00001.

Submission:

Labcorp Genetics (formerly Invitae), Labcorp
Classification: Uncertain significance. Last evaluated: 2025-03-10. Review status: criteria provided, single submitter. Criteria: Invitae Variant Classification Sherloc (09022015). Collection method: clinical testing. Allele origin: germline.
Comment: This sequence change replaces proline, which is neutral and non-polar, with leucine, which is neutral and non-polar, at codon 240 of the RP1 protein (p.Pro240Leu). This variant is present in population databases (rs781445794, gnomAD 0.0009%). This variant has not been reported in the literature in individuals affected with RP1-related conditions. ClinVar contains an entry for this variant (Variation ID: 2997844). An algorithm developed to predict the effect of missense changes on protein structure and function (PolyPhen-2) suggests that this variant is likely to be disruptive. In summary, the available evidence is currently insufficient to determine the role of this variant in disease. Therefore, it has been classified as a Variant of Uncertain Significance.